The following is an entry in ClinVar:

ClinVar aggregate classification (germline): Uncertain significance (1 of 4 stars; one submission).

Conditions:
Autosomal recessive distal spinal muscular atrophy 1. Also called: SEVERE INFANTILE AXONAL NEUROPATHY WITH RESPIRATORY FAILURE; Spinal muscular atrophy with respiratory distress 1; HMN VI; NEURONOPATHY, SEVERE INFANTILE AXONAL, WITH RESPIRATORY FAILURE; SPINAL MUSCULAR ATROPHY, DIAPHRAGMATIC; NEURONOPATHY, DISTAL HEREDITARY MOTOR, HARDING TYPE VI. Identifiers: Orphanet 98920, MedGen C1858517, MONDO:0011436, OMIM 604320.
Charcot-Marie-Tooth disease axonal type 2S. Also called: CHARCOT-MARIE-TOOTH NEUROPATHY, TYPE 2S; CHARCOT-MARIE-TOOTH DISEASE, AXONAL, AUTOSOMAL RECESSIVE, TYPE 2S. Identifiers: Orphanet 443073, MedGen C4015349, MONDO:0014511, OMIM 616155.

Submission:

Labcorp Genetics (formerly Invitae), Labcorp
Classification: Uncertain significance for Autosomal recessive distal spinal muscular atrophy 1; Charcot-Marie-Tooth disease axonal type 2S. Last evaluated: 2020-03-18. Review status: criteria provided, single submitter. Criteria: Invitae Variant Classification Sherloc (09022015). Collection method: clinical testing. Allele origin: germline.
Comment: Algorithms developed to predict the effect of missense changes on protein structure and function are either unavailable or do not agree on the potential impact of this missense change (SIFT: "Tolerated"; PolyPhen-2: "Probably Damaging"; Align-GVGD: "Class C0"). In summary, the available evidence is currently insufficient to determine the role of this variant in disease. Therefore, it has been classified as a Variant of Uncertain Significance. This variant has not been reported in the literature in individuals with IGHMBP2-related conditions. This variant is not present in population databases (ExAC no frequency). This sequence change replaces leucine with valine at codon 239 of the IGHMBP2 protein (p.Leu239Val). The leucine residue is highly conserved and there is a small physicochemical difference between leucine and valine.

NM_002180.3(IGHMBP2):c.715C>G (p.Leu239Val)

Gene: IGHMBP2 (immunoglobulin mu DNA binding protein 2; plus strand). Cytogenetic location: 11q13.3.
Variant type: single nucleotide variant.
Coding change: c.715C>G on transcript NM_002180.3 (MANE Select); coding-DNA position 715, C replaced by G.
Protein change: p.Leu239Val; replaces leucine 239 with valine.
Molecular consequence: missense variant.
Genome position (GRCh38, 1-based): chr11:68,914,826, C>G. VCF-style: chr11-68914826-C-G. GRCh37 (hg19) VCF-style: chr11-68682294-C-G.
Other names: short protein forms L239V.
Identifiers: ClinVar variation 1041791 (VCV001041791.9), dbSNP rs1858583764, ClinGen allele CA381644224.